The following is an entry in ClinVar:

NM_000038.6(APC):c.7529A>C (p.Asn2510Thr)

Gene: APC (APC regulator of Wnt signaling pathway; plus strand). Cytogenetic location: 5q22.2.
Variant type: single nucleotide variant.
Coding change: c.7529A>C on transcript NM_000038.6 (MANE Select); coding-DNA position 7529, A replaced by C.
Protein change: p.Asn2510Thr; replaces asparagine 2510 with threonine.
Molecular consequence: missense variant. On other transcripts: non-coding transcript variant (2).
Genome position (GRCh38, 1-based): chr5:112,843,123, A>C. VCF-style: chr5-112843123-A-C. GRCh37 (hg19) VCF-style: chr5-112178820-A-C.
Other names: c.7529A>C, p.Asn2510Thr (NM_001127510.3, NM_001354895.2, NM_001407450.1); c.7475A>C, p.Asn2492Thr (NM_001127511.3); c.7583A>C, p.Asn2528Thr (NM_001354896.2, NM_001407447.1, NM_001407448.1 and 1 more transcripts); c.7559A>C, p.Asn2520Thr (NM_001354897.2); c.7454A>C, p.Asn2485Thr (NM_001354898.2); c.7445A>C, p.Asn2482Thr (NM_001354899.2); c.7406A>C, p.Asn2469Thr (NM_001354900.2); c.7352A>C, p.Asn2451Thr (NM_001354901.2, NM_001407453.1); and 11 more; short protein forms N2381T, N2500T, N2520T, N2227T, N2427T, N2469T, N2485T, N2384T.
Identifiers: ClinVar variation 3411920 (VCV003411920.1).

ClinVar aggregate classification (germline): Uncertain significance (1 of 4 stars; one submission).

Conditions:
Hereditary cancer-predisposing syndrome. Also called: Neoplastic Syndromes, Hereditary; Tumor predisposition; Hereditary Cancer Syndrome; Hereditary neoplastic syndrome. Identifiers: Orphanet 140162, MedGen C0027672, MeSH D009386, MONDO:0015356.

Submission:

Ambry Genetics
Classification: Uncertain significance for Hereditary cancer-predisposing syndrome. Last evaluated: 2024-10-29. Review status: criteria provided, single submitter. Criteria: Ambry Variant Classification Scheme 2023. Collection method: clinical testing. Allele origin: germline.
Comment: The p.N2510T variant (also known as c.7529A>C), located in coding exon 15 of the APC gene, results from an A to C substitution at nucleotide position 7529. The asparagine at codon 2510 is replaced by threonine, an amino acid with similar properties. This amino acid position is conserved. In addition, in silico predictors for this gene do not accurately predict pathogenicity. Based on the available evidence, the clinical significance of this variant remains unclear.